The following is an entry in ClinVar:

NM_001136193.2(FASTKD2):c.*2488T>C

Gene: FASTKD2 (FAST kinase domains 2; plus strand). Cytogenetic location: 2q33.3.
Variant type: single nucleotide variant.
Coding change: c.*2488T>C on transcript NM_001136193.2 (MANE Select); 2488 bases downstream of the stop codon, T replaced by C.
Molecular consequence: 3 prime UTR variant.
Genome position (GRCh38, 1-based): chr2:206,794,290, T>C. VCF-style: chr2-206794290-T-C. GRCh37 (hg19) VCF-style: chr2-207659014-T-C.
Other names: c.*2488T>C (NM_001136194.2, NM_014929.4).
Identifiers: ClinVar variation 333845 (VCV000333845.5), dbSNP rs6435351, ClinGen allele CA10612187.

ClinVar aggregate classification (germline): Benign (1 of 4 stars; one submission).

Conditions:
Mitochondrial complex IV deficiency, nuclear type 1 (MC4DN1). Also called: COX DEFICIENCY; Mitochondrial complex IV deficiency; Complex 4 mitochondrial respiratory chain deficiency; Deficiency of mitochondrial respiratory chain complex4; Complex IV deficiency. Identifiers: MedGen C5435656, MONDO:0700250, OMIM 220110. Disease mechanism: loss of function.

Allele frequency attached by ClinVar (database versions not stated): 1000 Genomes Project 0.12260; 1000 Genomes Project 30x 0.12742; TOPMed 0.13425.
gnomAD v4.1: 19,202 of 152,260 alleles (13%); highest among the groups gnomAD compares: African/African-American, 27%; 1,817 homozygotes.

Submission:

Illumina Laboratory Services, Illumina
Classification: Benign for Mitochondrial complex IV deficiency, nuclear type 1. Last evaluated: 2018-01-13. Review status: criteria provided, single submitter. Criteria: ICSL Variant Classification Criteria 13 December 2019. Collection method: clinical testing. Allele origin: germline.
Comment: This variant was observed in the ICSL laboratory as part of a predisposition screen in an ostensibly healthy population. It had not been previously curated by ICSL or reported in the Human Gene Mutation Database (HGMD: prior to June 1st, 2018), and was therefore a candidate for classification through an automated scoring system. Utilizing variant allele frequency, disease prevalence and penetrance estimates, and inheritance mode, an automated score was calculated to assess if this variant is too frequent to cause the disease. Based on the score and internal cut-off values, a variant classified as benign is not then subjected to further curation. The score for this variant resulted in a classification of benign for this disease.